The following is an entry in ClinVar:

ClinVar aggregate classification (germline): Conflicting classifications of pathogenicity. Review status: criteria provided, conflicting classifications (1 of 4 stars). 4 submissions from 4 submitters: Uncertain significance (3); Likely benign (1). Last evaluated 2025-12-30.

Allele frequency attached by ClinVar (database versions not stated): ExAC 0.00002; gnomAD exomes 0.00002; gnomAD 0.00003 and 0.00004; TOPMed 0.00003.
gnomAD v4.1: 39 of 1,571,540 alleles (0.0025%); highest among the groups gnomAD compares: East Asian, 0.0045%; no homozygotes.

Submissions (4):

Women's Health and Genetics/Laboratory Corporation of America, LabCorp
Classification: Uncertain significance. Last evaluated: 2025-12-30. Review status: criteria provided, single submitter. Criteria: LabCorp Variant Classification Summary - May 2015. Collection method: clinical testing. Allele origin: germline.
Comment: Variant summary: COL4A2 c.4247C>T (p.Pro1416Leu) results in a non-conservative amino acid change in the encoded protein sequence. Algorithms developed to predict the effect of missense changes on protein structure and function are either unavailable or do not agree on the potential impact of this missense change. The variant allele was found at a frequency of 2.3e-05 in 217790 control chromosomes. The available data on variant occurrences in the general population are insufficient to allow any conclusion about variant significance. To our knowledge, no occurrence of c.4247C>T in individuals affected with COL4A2-related conditions and no experimental evidence demonstrating its impact on protein function have been reported. ClinVar contains an entry for this variant (Variation ID: 1517048). Based on the evidence outlined above, the variant was classified as uncertain significance.

Labcorp Genetics (formerly Invitae), Labcorp
Classification: Uncertain significance. Last evaluated: 2025-08-29. Review status: criteria provided, single submitter. Criteria: Invitae Variant Classification Sherloc (09022015). Collection method: clinical testing. Allele origin: germline.
Comment: This sequence change replaces proline, which is neutral and non-polar, with leucine, which is neutral and non-polar, at codon 1416 of the COL4A2 protein (p.Pro1416Leu). This variant is present in population databases (rs776279146, gnomAD 0.03%). This variant has not been reported in the literature in individuals affected with COL4A2-related conditions. ClinVar contains an entry for this variant (Variation ID: 1517048). Invitae Evidence Modeling of protein sequence and biophysical properties (such as structural, functional, and spatial information, amino acid conservation, physicochemical variation, residue mobility, and thermodynamic stability) indicates that this missense variant is not expected to disrupt COL4A2 protein function with a negative predictive value of 95%. In summary, the available evidence is currently insufficient to determine the role of this variant in disease. Therefore, it has been classified as a Variant of Uncertain Significance.

Mayo Clinic Laboratories, Mayo Clinic
Classification: Uncertain significance. Last evaluated: 2024-12-25. Review status: criteria provided, single submitter. Criteria: ACMG Guidelines, 2015. Collection method: clinical testing. Allele origin: germline. Observed: 1 variant allele.
Comment: BP4

Blueprint Genetics
Classification: Likely benign. Last evaluated: 2024-08-12. Review status: criteria provided, single submitter. Criteria: ACMG Guidelines, 2015. Collection method: clinical testing. Allele origin: germline.

NM_001846.4(COL4A2):c.4247C>T (p.Pro1416Leu)

Genes: COL4A2 (collagen type IV alpha 2 chain; plus strand), COL4A2-AS1 (COL4A2 antisense RNA 1; minus strand). Cytogenetic location: 13q34.
Variant type: single nucleotide variant.
Coding change: c.4247C>T on transcript NM_001846.4 (MANE Select); coding-DNA position 4247, C replaced by T.
Protein change: p.Pro1416Leu; replaces proline 1416 with leucine.
Molecular consequence: missense variant.
Genome position (GRCh38, 1-based): chr13:110,503,955, C>T. VCF-style: chr13-110503955-C-T. GRCh37 (hg19) VCF-style: chr13-111156302-C-T.
Other names: p.Pro1416Leu; short protein forms P1416L.
Identifiers: ClinVar variation 1517048 (VCV001517048.9), dbSNP rs776279146, ClinGen allele CA7050454.